The following is an entry in ClinVar:

NM_015910.7(WDPCP):c.442A>G (p.Lys148Glu)

Gene: WDPCP (WD repeat containing planar cell polarity effector; minus strand). Cytogenetic location: 2p15.
Variant type: single nucleotide variant.
Coding change: c.442A>G on transcript NM_015910.7 (MANE Select); coding-DNA position 442, A replaced by G.
Protein change: p.Lys148Glu; replaces lysine 148 with glutamic acid.
Molecular consequence: missense variant. On other transcripts: non-coding transcript variant (2).
Genome position (GRCh38, 1-based): chr2:63,439,814, T>C on the plus strand (A>G on the coding strand, the complement: WDPCP is on the minus strand). VCF-style: chr2-63439814-T-C. GRCh37 (hg19) VCF-style: chr2-63666948-T-C.
Other names: c.370A>G, p.Lys124Glu (NM_001354044.2); c.442A>G, p.Lys148Glu (NM_001354045.2); short protein forms K124E, K148E.
Identifiers: ClinVar variation 1501436 (VCV001501436.5), dbSNP rs373247460, ClinGen allele CA347064109.

ClinVar aggregate classification (germline): Uncertain significance (1 of 4 stars; one submission).

Conditions:
Bardet-Biedl syndrome (BBS). Identifiers: Orphanet 110, MedGen C0752166, MONDO:0015229.

Submission:

Labcorp Genetics (formerly Invitae), Labcorp
Classification: Uncertain significance for Bardet-Biedl syndrome. Last evaluated: 2021-09-17. Review status: criteria provided, single submitter. Criteria: Invitae Variant Classification Sherloc (09022015). Collection method: clinical testing. Allele origin: germline.
Comment: This variant has not been reported in the literature in individuals affected with WDPCP-related conditions. This sequence change replaces lysine with glutamic acid at codon 148 of the WDPCP protein (p.Lys148Glu). The lysine residue is moderately conserved and there is a small physicochemical difference between lysine and glutamic acid. This variant is not present in population databases (ExAC no frequency). Algorithms developed to predict the effect of missense changes on protein structure and function are either unavailable or do not agree on the potential impact of this missense change (SIFT: "Deleterious"; PolyPhen-2: "Probably Damaging"; Align-GVGD: "Class C0"). In summary, the available evidence is currently insufficient to determine the role of this variant in disease. Therefore, it has been classified as a Variant of Uncertain Significance.